The following is an entry in ClinVar:

NM_000465.4(BARD1):c.456G>C (p.Lys152Asn)

Gene: BARD1 (BRCA1 associated RING domain 1; minus strand). Cytogenetic location: 2q35.
Variant type: single nucleotide variant.
Coding change: c.456G>C on transcript NM_000465.4 (MANE Select); coding-DNA position 456, G replaced by C.
Protein change: p.Lys152Asn; replaces lysine 152 with asparagine.
Molecular consequence: missense variant. On other transcripts: non-coding transcript variant (2), intron variant (3).
Genome position (GRCh38, 1-based): chr2:214,781,418, C>G on the plus strand (G>C on the coding strand, the complement: BARD1 is on the minus strand). VCF-style: chr2-214781418-C-G. GRCh37 (hg19) VCF-style: chr2-215646142-C-G.
Other names: c.399G>C, p.Lys133Asn (NM_001282543.2); c.158+27994G>C (NM_001282548.2); c.215+15643G>C (NM_001282545.2); c.364+10879G>C (NM_001282549.2); short protein forms K152N, K133N.
Identifiers: ClinVar variation 4826595 (VCV004826595.1).

ClinVar aggregate classification (germline): Uncertain significance (1 of 4 stars; one submission).

Conditions:
Hereditary cancer-predisposing syndrome. Also called: Neoplastic Syndromes, Hereditary; Tumor predisposition; Hereditary Cancer Syndrome; Hereditary neoplastic syndrome. Identifiers: Orphanet 140162, MedGen C0027672, MeSH D009386, MONDO:0015356.

Submission:

Ambry Genetics
Classification: Uncertain significance for Hereditary cancer-predisposing syndrome. Last evaluated: 2026-03-12. Review status: criteria provided, single submitter. Criteria: Ambry Variant Classification Scheme 2023. Collection method: clinical testing. Allele origin: germline.
Comment: The p.K152N variant (also known as c.456G>C), located in coding exon 4 of the BARD1 gene, results from a G to C substitution at nucleotide position 456. The lysine at codon 152 is replaced by asparagine, an amino acid with similar properties. This amino acid position is conserved. In addition, this alteration is predicted to be tolerated by in silico analysis. Based on the available evidence, the clinical significance of this variant remains unclear.